The following is an entry in ClinVar:

ClinVar aggregate classification (germline): Conflicting classifications of pathogenicity. Review status: criteria provided, conflicting classifications (1 of 4 stars). 2 submissions from 2 submitters: Uncertain significance (1); Likely benign (1). Last evaluated 2023-04-01.

Allele frequency attached by ClinVar (database versions not stated): gnomAD exomes 0.00029; ExAC 0.00123; ESP Exome Variant Server 0.00175; gnomAD 0.00297 and 0.00325; TOPMed 0.00354; 1000 Genomes Project 0.00359; 1000 Genomes Project 30x 0.00359.
gnomAD v4.1: 880 of 1,550,244 alleles (0.057%); highest among the groups gnomAD compares: African/African-American, 0.98%; 3 homozygotes.

Submissions (2):

CeGaT Center for Human Genetics Tuebingen
Classification: Likely benign. Last evaluated: 2023-04-01. Review status: criteria provided, single submitter. Criteria: CeGaT Center For Human Genetics Tuebingen Variant Classification Criteria Version 2. Collection method: clinical testing. Allele origin: germline. Affected: yes. Observed: 2 variant alleles.
Comment: SHANK2: BP4, BP7, BS2

Breakthrough Genomics
Classification: Uncertain significance. Review status: criteria provided, single submitter. Criteria: ACMG Guidelines, 2015. Collection method: not provided. Allele origin: germline. Inheritance: Unknown mechanism. Affected: yes.

NM_012309.5(SHANK2):c.168G>A (p.Thr56=)

Gene: SHANK2 (SH3 and multiple ankyrin repeat domains 2; minus strand). Cytogenetic location: 11q13.4.
Variant type: single nucleotide variant.
Coding change: c.168G>A on transcript NM_012309.5 (MANE Select); coding-DNA position 168, G replaced by A.
Protein change: p.Thr56=; no amino-acid change (threonine 56 retained).
Molecular consequence: synonymous variant.
Genome position (GRCh38, 1-based): chr11:71,147,159, C>T on the plus strand (G>A on the coding strand, the complement: SHANK2 is on the minus strand). VCF-style: chr11-71147159-C-T. GRCh37 (hg19) VCF-style: chr11-70858205-C-T.
Identifiers: ClinVar variation 305927 (VCV000305927.30), dbSNP rs150944234, ClinGen allele CA6162169.
Genomic context (GRCh38, chr11:71,147,159, plus strand): 5'-AGGGCAGACCACGGGGCTCACCGTCTGCTGCAGGTCATGGATGACCACGCGGATCACCAG[C>T]GTGTTGCCCTGGCTCTCCTCCGTCCTGGCACCGCCCGGCTTCTCCGCAGTGGCCCGGATC-3'
Protein context (NP_036441.2, residues 46-66): GARTEESQGN[Thr56=]LVIRVVIHDL